The following is an entry in ClinVar:

NM_001256317.3(TMPRSS3):c.341A>G (p.Asn114Ser)

Gene: TMPRSS3 (transmembrane serine protease 3; minus strand). Cytogenetic location: 21q22.3.
Variant type: single nucleotide variant.
Coding change: c.341A>G on transcript NM_001256317.3 (MANE Select); coding-DNA position 341, A replaced by G.
Protein change: p.Asn114Ser; replaces asparagine 114 with serine.
Molecular consequence: missense variant. On other transcripts: 5 prime UTR variant (1).
Genome position (GRCh38, 1-based): chr21:42,388,508, T>C on the plus strand (A>G on the coding strand, the complement: TMPRSS3 is on the minus strand). VCF-style: chr21-42388508-T-C. GRCh37 (hg19) VCF-style: chr21-43808617-T-C.
Other names: c.341A>G, p.Asn114Ser (NM_024022.4, NM_032405.2); c.-41A>G (NM_032404.3); short protein forms N114S.
Identifiers: ClinVar variation 3366256 (VCV003366256.1).

ClinVar aggregate classification (germline): Uncertain significance (1 of 4 stars; one submission).

gnomAD v4.1: 6 of 1,614,096 alleles (0.00037%); highest among the groups gnomAD compares: Non-Finnish European, 0.00042%; no homozygotes.

Submission:

GeneDx
Classification: Uncertain significance. Last evaluated: 2023-10-23. Review status: criteria provided, single submitter. Criteria: GeneDx Variant Classification Process June 2021. Collection method: clinical testing. Allele origin: germline. Affected: yes.
Comment: Not observed at significant frequency in large population cohorts (gnomAD); In silico analysis supports that this missense variant has a deleterious effect on protein structure/function; Has not been previously published as pathogenic or benign to our knowledge